The following is an entry in ClinVar:

ClinVar aggregate classification (germline): Pathogenic. Review status: criteria provided, multiple submitters, no conflicts (2 of 4 stars). 5 submissions from 5 submitters: Pathogenic (3). 2 of the submissions do not count toward it. Last evaluated 2021-09-01.

Conditions:
Lethal tight skin contracture syndrome. Also called: HYPERKERATOSIS-CONTRACTURE SYNDROME; Restrictive dermopathy; RESTRICTIVE DERMOPATHY, LETHAL; FETAL HYPOKINESIA SEQUENCE DUE TO RESTRICTIVE DERMOPATHY. Identifiers: Orphanet 1662, MedGen C0406585, MONDO:0031213.

Submissions (5):

Labcorp Genetics (formerly Invitae), Labcorp
Classification: Pathogenic. Last evaluated: 2021-09-01. Review status: criteria provided, single submitter. Criteria: Invitae Variant Classification Sherloc (09022015). Collection method: clinical testing. Allele origin: germline.
Comment: This sequence change creates a premature translational stop signal (p.Lys17Serfs*21) in the ZMPSTE24 gene. It is expected to result in an absent or disrupted protein product. Loss-of-function variants in ZMPSTE24 are known to be pathogenic (PMID: 22718200, 24169522). This variant is not present in population databases (ExAC no frequency). This premature translational stop signal has been observed in individual(s) with restrictive dermopathy (PMID: 20101687, 26379196). In at least one individual the data is consistent with the variant being in trans (on the opposite chromosome) from a pathogenic variant. It has also been observed to segregate with disease in related individuals. ClinVar contains an entry for this variant (Variation ID: 41411). For these reasons, this variant has been classified as Pathogenic.

Institute of Human Genetics, University of Leipzig Medical Center
Classification: Pathogenic for Restrictive dermopathy 1. Last evaluated: 2021-08-11. Review status: criteria provided, single submitter. Criteria: ACMG Guidelines, 2015. Collection method: clinical testing. Allele origin: unknown. Affected: yes.
Comment: This variant was identified as compound heterozygous with NM_005857.5:c.1085dup.

GeneDx
Classification: Pathogenic. Last evaluated: 2017-05-05. Review status: criteria provided, single submitter. Criteria: GeneDx Variant Classification (06012015). Collection method: clinical testing. Allele origin: germline. Affected: yes.
Comment: The c.50delA variant in the ZMPSTE24 gene has been reported previously in association with restrictive dermopathy when present in the homozygous state or when in trans with another loss-of-function variant (Smigiel et al., 2010; Navarro et al., 2014; Matuleviciene et al., 2016). The c.50delA variant causes a frameshift starting with codon Lysine 17, changes this amino acid to a Serine residue, and creates a premature Stop codon at position 21 of the new reading frame, denoted p.Lys17SerfsX21. This variant is predicted to cause loss of normal protein function either through protein truncation or nonsense-mediated mRNA decay. The c.50delA variant is not observed in large population cohorts (Lek et al., 2016; 1000 Genomes Consortium et al., 2015; Exome Variant Server). Therefore, we interpret c.50delA as a pathogenic variant.

OMIM
Classification: Pathogenic for RESTRICTIVE DERMOPATHY, LETHAL. Last evaluated: 2010-02-01. Review status: no assertion criteria provided. Collection method: literature only. Allele origin: germline. Not counted in ClinVar's aggregate classification.

ZMPSTE24 homepage - Leiden Muscular Dystrophy pages
No classification provided. Review status: no classification provided. Collection method: not provided. Allele origin: germline. Not counted in ClinVar's aggregate classification.
Comment: has functional consequence

Literature cited by the submitters: PubMed 22718200 (cited by Labcorp Genetics (formerly Invitae), Labcorp); PubMed 24169522 (cited by Labcorp Genetics (formerly Invitae), Labcorp); PubMed 20101687 (cited by Labcorp Genetics (formerly Invitae), Labcorp and OMIM); PubMed 26379196 (cited by Labcorp Genetics (formerly Invitae), Labcorp).

NM_005857.5(ZMPSTE24):c.50del (p.Lys17fs)

Genes: ZMPSTE24 (zinc metallopeptidase STE24; plus strand), LOC129930253 (ATAC-STARR-seq lymphoblastoid active region 836; plus strand). Cytogenetic location: 1p34.2.
Variant type: Deletion.
Coding change: c.50del on transcript NM_005857.5 (MANE Select); coding-DNA position 50, one base deleted (A; older notation c.50delA).
Protein change: p.Lys17fs; shifts the reading frame from lysine 17.
Molecular consequence: frameshift variant.
Genome position (GRCh38, 1-based): chr1:40,258,321, A deleted; the last of 2 consecutive A bases (chr1:40,258,320-40,258,321); deleting either gives the same sequence. VCF-style (leftmost placement, unchanged base first): chr1-40258319-GA-G. GRCh37 (hg19) VCF-style: chr1-40723991-GA-G.
Other names: c.50del (LRG_212t1); short protein forms K17fs.
Identifiers: ClinVar variation 41411 (VCV000041411.6), dbSNP rs281875360, ClinGen allele CA213066.